The following is an entry in ClinVar:

NM_032108.4(SEMA6B):c.1993del (p.Arg665fs)

Gene: SEMA6B (semaphorin 6B; minus strand). Cytogenetic location: 19p13.3.
Variant type: Deletion.
Coding change: c.1993del on transcript NM_032108.4 (MANE Select); coding-DNA position 1993, one base deleted (C; older notation c.1993delC).
Protein change: p.Arg665fs; shifts the reading frame from arginine 665.
Molecular consequence: frameshift variant.
Genome position (GRCh38, 1-based): chr19:4,544,275, G deleted on the plus strand (C on the coding strand, the reverse complement: SEMA6B is on the minus strand); the first of 2 consecutive G bases (chr19:4,544,275-4,544,276); deleting either gives the same sequence. VCF-style (leftmost placement, unchanged base first): chr19-4544274-CG-C. GRCh37 (hg19) VCF-style: chr19-4544286-CG-C.
Other names: short protein forms R665fs.
Identifiers: ClinVar variation 2579316 (VCV002579316.2), dbSNP rs2512182831, ClinGen allele CA2580617858.

ClinVar aggregate classification (germline): Pathogenic. Review status: criteria provided, multiple submitters, no conflicts (2 of 4 stars). 2 submissions from 2 submitters: Pathogenic (2). Last evaluated 2023-11-27.

Conditions:
Epilepsy, progressive myoclonic, 11. Identifiers: MedGen C5394362, MONDO:0030034, OMIM 618876.

Submissions (2):

3billion
Classification: Pathogenic for Epilepsy, progressive myoclonic, 11. Last evaluated: 2023-11-27. Review status: criteria provided, single submitter. Criteria: ACMG Guidelines, 2015. Collection method: clinical testing. Allele origin: germline. Affected: yes.
Comment: The variant is not observed in the gnomAD v2.1.1 dataset. Predicted Consequence/Location: Frameshift: predicted to result in a loss or disruption of normal protein function through protein truncation. Multiple pathogenic variants are reported in the predicted truncated region. The variant has been previously reported as de novo in a similarly affected individual (PMID: 33798445). The variant has been reported to be associated with SEMA6B related disorder (ClinVar ID: VCV002579316 /PMID: 33798445). Therefore, this variant is classified as Pathogenic according to the recommendation of ACMG/AMP guideline.

GeneDx
Classification: Pathogenic. Last evaluated: 2023-08-31. Review status: criteria provided, single submitter. Criteria: GeneDx Variant Classification Process June 2021. Collection method: clinical testing. Allele origin: germline. Affected: yes.
Comment: Frameshift variant predicted to result in protein truncation as the last 224 amino acids are replaced with 19 different amino acids, although loss-of-function variants have not been reported downstream of this position in the protein; Not observed at significant frequency in large population cohorts (gnomAD); This variant is associated with the following publications: (PMID: 33798445)

Literature cited by the submitters: PubMed 33798445 (cited by 3billion).